The following is an entry in ClinVar:

NM_001378615.1(CC2D2A):c.603C>T (p.Pro201=)

Genes: CC2D2A (coiled-coil and C2 domain containing 2A; plus strand), FBXL5 (F-box and leucine rich repeat protein 5; minus strand). Cytogenetic location: 4p15.32.
Variant type: single nucleotide variant.
Coding change: c.603C>T on transcript NM_001378615.1 (MANE Select); coding-DNA position 603, C replaced by T.
Protein change: p.Pro201=; no amino-acid change (proline 201 retained).
Molecular consequence: synonymous variant.
Genome position (GRCh38, 1-based): chr4:15,511,309, C>T. VCF-style: chr4-15511309-C-T. GRCh37 (hg19) VCF-style: chr4-15512932-C-T.
Other names: c.603C>T, p.Pro201= (NM_001080522.2); c.456C>T, p.Pro152= (NM_001378617.1).
Identifiers: ClinVar variation 199055 (VCV000199055.18), dbSNP rs556542553, ClinGen allele CA248036.

ClinVar aggregate classification (germline): Conflicting classifications of pathogenicity. Review status: criteria provided, conflicting classifications (1 of 4 stars). 5 submissions from 5 submitters: Uncertain significance (1); Likely benign (3). 1 of the submissions does not count toward it. Last evaluated 2026-01-05.

Conditions:
Meckel syndrome, type 6. Identifiers: Orphanet 564, MedGen C2676790, MONDO:0012848, OMIM 612284.
Joubert syndrome 9 (JBTS9). Identifiers: Orphanet 2318, MedGen C2676788, MONDO:0012849, OMIM 612285.
COACH syndrome 2. Identifiers: MedGen C5436837, MONDO:0030859, OMIM 619111.
Retinitis pigmentosa 93. Identifiers: MedGen C5676970, MONDO:0030797, OMIM 619845.
CC2D2A-related disorder. Also called: CC2D2A-related disorders; CC2D2A-related condition. Identifiers: MedGen CN239313.
Meckel-Gruber syndrome. Also called: DYSENCEPHALIA SPLANCHNOCYSTICA; GRUBER SYNDROME; Dysencephalia splachnocystica. Identifiers: Orphanet 564, MedGen C0265215, MONDO:0018921.
Joubert syndrome. Also called: Familial aplasia of the vermis; JOUBERT-BOLTSHAUSER SYNDROME. Identifiers: Orphanet 475, MedGen C5979921, MONDO:0018772.

Allele frequency attached by ClinVar (database versions not stated): gnomAD exomes 0.00004 and 0.00006; ExAC 0.00007; gnomAD 0.00011 and 0.00012; TOPMed 0.00011; 1000 Genomes Project 0.00020; 1000 Genomes Project 30x 0.00031.
gnomAD v4.1: 76 of 1,600,430 alleles (0.0047%); highest among the groups gnomAD compares: South Asian, 0.042%; no homozygotes.

Submissions (5):

Labcorp Genetics (formerly Invitae), Labcorp
Classification: Likely benign for Joubert syndrome; Meckel-Gruber syndrome. Last evaluated: 2026-01-05. Review status: criteria provided, single submitter. Criteria: Invitae Variant Classification Sherloc (09022015). Collection method: clinical testing. Allele origin: germline.

Fulgent Genetics
Classification: Likely benign for Meckel syndrome, type 6; Joubert syndrome 9; COACH syndrome 2; Retinitis pigmentosa 93. Last evaluated: 2024-06-20. Review status: criteria provided, single submitter. Criteria: ACMG Guidelines, 2015. Collection method: clinical testing. Allele origin: germline.

Blueprint Genetics
Classification: Likely benign. Last evaluated: 2022-05-31. Review status: criteria provided, single submitter. Criteria: ACMG Guidelines, 2015. Collection method: clinical testing. Allele origin: germline.

Eurofins Ntd Llc (ga)
Classification: Uncertain significance. Last evaluated: 2014-12-11. Review status: criteria provided, single submitter. Criteria: EGL Classification Definitions 2015. Collection method: clinical testing. Allele origin: germline. Observed: 1 variant allele, 1 heterozygote.

PreventionGenetics, part of Exact Sciences
Classification: Likely benign for CC2D2A-related condition. Last evaluated: 2021-09-09. Review status: no assertion criteria provided. Collection method: clinical testing. Allele origin: germline. Not counted in ClinVar's aggregate classification.
Comment: This variant is classified as likely benign based on ACMG/AMP sequence variant interpretation guidelines (Richards et al. 2015 PMID: 25741868, with internal and published modifications).